The following is an entry in ClinVar:

ClinVar aggregate classification (germline): Likely benign. Review status: criteria provided, multiple submitters, no conflicts (2 of 4 stars). 2 submissions from 2 submitters: Likely benign (2). Last evaluated 2026-06-01.

Conditions:
Immunodeficiency-centromeric instability-facial anomalies syndrome 2 (ICF2). Identifiers: Orphanet 2268, MedGen C3279748, MONDO:0013553, OMIM 614069.

Allele frequency attached by ClinVar (database versions not stated): TOPMed below 0.00001; gnomAD exomes 0.00002 and 0.00003; ExAC 0.00004.

Submissions (2):

CeGaT Center for Human Genetics Tuebingen
Classification: Likely benign. Last evaluated: 2026-06-01. Review status: criteria provided, single submitter. Criteria: CeGaT Center For Human Genetics Tuebingen Variant Classification Criteria Version 2. Collection method: clinical testing. Allele origin: germline. Affected: yes. Observed: 1 variant allele.
Comment: ZBTB24: BP4, BP7

Labcorp Genetics (formerly Invitae), Labcorp
Classification: Likely benign for Immunodeficiency-centromeric instability-facial anomalies syndrome 2. Last evaluated: 2025-09-04. Review status: criteria provided, single submitter. Criteria: Invitae Variant Classification Sherloc (09022015). Collection method: clinical testing. Allele origin: germline.

NM_014797.3(ZBTB24):c.978G>A (p.Glu326=)

Gene: ZBTB24 (zinc finger and BTB domain containing 24; minus strand). Cytogenetic location: 6q21.
Variant type: single nucleotide variant.
Coding change: c.978G>A on transcript NM_014797.3 (MANE Select); coding-DNA position 978, G replaced by A.
Protein change: p.Glu326=; no amino-acid change (glutamic acid 326 retained).
Molecular consequence: synonymous variant.
Genome position (GRCh38, 1-based): chr6:109,476,905, C>T on the plus strand (G>A on the coding strand, the complement: ZBTB24 is on the minus strand). VCF-style: chr6-109476905-C-T. GRCh37 (hg19) VCF-style: chr6-109798108-C-T.
Identifiers: ClinVar variation 1128532 (VCV001128532.11), dbSNP rs747638324, ClinGen allele CA3954215.
Genomic context (GRCh38, chr6:109,476,905, plus strand): 5'-GCCTGTGTGCATCCTGGTGTGGACCTGTAGCGAGTGCTTCTGGGCAAAGCCTTTTCCACA[C>T]TCATTACATTTGAAAGGTCGCTCCCCTGGAAGAAGAGCCCCAGAAGCATGGTATAAGTAA-3'
Protein context (NP_055612.2, residues 316-336): HTGERPFKCN[Glu326=]CGKGFAQKHS